The following is an entry in ClinVar:

NM_006343.3(MERTK):c.1672C>T (p.Arg558Ter)

Gene: MERTK (MER proto-oncogene, tyrosine kinase; plus strand). Cytogenetic location: 2q13.
Variant type: single nucleotide variant.
Coding change: c.1672C>T on transcript NM_006343.3 (MANE Select); coding-DNA position 1672, C replaced by T.
Protein change: p.Arg558Ter; replaces arginine 558 with a stop codon.
Molecular consequence: nonsense.
Genome position (GRCh38, 1-based): chr2:112,001,268, C>T. VCF-style: chr2-112001268-C-T. GRCh37 (hg19) VCF-style: chr2-112758845-C-T.
Other names: short protein forms R558*.
Identifiers: ClinVar variation 866904 (VCV000866904.11), dbSNP rs774755041, ClinGen allele CA348232295.

ClinVar aggregate classification (germline): Pathogenic/Likely pathogenic. Review status: criteria provided, multiple submitters, no conflicts (2 of 4 stars). 2 submissions from 2 submitters: Pathogenic (1); Likely pathogenic (1). Last evaluated 2025-09-22.

Conditions:
MERTK-related disorder. Also called: MERTK-related condition.

Allele frequency attached by ClinVar (database versions not stated): TOPMed below 0.00001; gnomAD 0.00001; gnomAD exomes 0.00001.
gnomAD v4.1: 10 of 1,613,176 alleles (0.00062%); highest among the groups gnomAD compares: African/African-American, 0.0013%; no homozygotes.

Submissions (2):

Labcorp Genetics (formerly Invitae), Labcorp
Classification: Pathogenic. Last evaluated: 2025-09-22. Review status: criteria provided, single submitter. Criteria: Invitae Variant Classification Sherloc (09022015). Collection method: clinical testing. Allele origin: germline.
Comment: This sequence change creates a premature translational stop signal (p.Arg558*) in the MERTK gene. It is expected to result in an absent or disrupted protein product. Loss-of-function variants in MERTK are known to be pathogenic (PMID: 24265693, 29659094). This variant is not present in population databases (gnomAD no frequency). This variant has not been reported in the literature in individuals affected with MERTK-related conditions. ClinVar contains an entry for this variant (Variation ID: 866904). Algorithms developed to predict the effect of sequence changes on RNA splicing suggest that this variant may disrupt the consensus splice site. For these reasons, this variant has been classified as Pathogenic.

Blueprint Genetics
Classification: Likely pathogenic for MERTK-related disorders. Last evaluated: 2021-12-22. Review status: criteria provided, single submitter. Criteria: ACMG Guidelines, 2015. Collection method: clinical testing. Allele origin: germline. Affected: yes. Observed: 2 variant alleles.

Literature cited by the submitters: PubMed 24265693 (cited by Labcorp Genetics (formerly Invitae), Labcorp); PubMed 29659094 (cited by Labcorp Genetics (formerly Invitae), Labcorp).